The following is an entry in ClinVar:

NM_001354604.2(MITF):c.1078T>C (p.Tyr360His)

Gene: MITF (melanocyte inducing transcription factor; plus strand). Cytogenetic location: 3p13.
Variant type: single nucleotide variant.
Coding change: c.1078T>C on transcript NM_001354604.2 (MANE Select); coding-DNA position 1078, T replaced by C.
Protein change: p.Tyr360His; replaces tyrosine 360 with histidine.
Molecular consequence: missense variant.
Genome position (GRCh38, 1-based): chr3:69,959,319, T>C. VCF-style: chr3-69959319-T-C. GRCh37 (hg19) VCF-style: chr3-70008470-T-C.
Other names: c.757T>C, p.Tyr253His (NM_000248.4); c.904T>C, p.Tyr302His (NM_001184967.2, NM_001354608.2); c.1075T>C, p.Tyr359His (NM_001354605.2); c.1057T>C, p.Tyr353His (NM_001354606.2, NM_006722.3); c.1009T>C, p.Tyr337His (NM_001354607.2); c.739T>C, p.Tyr247His (NM_198158.3); c.1060T>C, p.Tyr354His (NM_198159.3); c.1012T>C, p.Tyr338His (NM_198177.3); and 1 more; short protein forms Y191H, Y247H, Y253H, Y302H, Y337H, Y338H, Y353H, Y354H.
Identifiers: ClinVar variation 4860068 (VCV004860068.1).

ClinVar aggregate classification (germline): Uncertain significance (1 of 4 stars; one submission).

Conditions:
Hereditary cancer-predisposing syndrome. Also called: Neoplastic Syndromes, Hereditary; Tumor predisposition; Hereditary Cancer Syndrome; Hereditary neoplastic syndrome. Identifiers: Orphanet 140162, MedGen C0027672, MeSH D009386, MONDO:0015356.

gnomAD v4.1: 1 of 1,614,082 alleles (0.000062%); highest among the groups gnomAD compares: Non-Finnish European, 0.000085%; no homozygotes.

Submission:

Ambry Genetics
Classification: Uncertain significance for Hereditary cancer-predisposing syndrome. Last evaluated: 2026-05-14. Review status: criteria provided, single submitter. Criteria: Ambry Variant Classification Scheme 2023. Collection method: clinical testing. Allele origin: germline.
Comment: The p.Y253H variant (also known as c.757T>C), located in coding exon 8 of the MITF gene, results from a T to C substitution at nucleotide position 757. The tyrosine at codon 253 is replaced by histidine, an amino acid with similar properties. This amino acid position is conserved. In addition, this alteration is predicted to be deleterious by in silico analysis. Based on the available evidence, the clinical significance of this variant remains unclear.